The following is an entry in ClinVar:

NM_000037.4(ANK1):c.675C>T (p.Leu225=)

Gene: ANK1 (ankyrin 1; minus strand). Cytogenetic location: 8p11.21.
Variant type: single nucleotide variant.
Coding change: c.675C>T on transcript NM_000037.4 (MANE Select); coding-DNA position 675, C replaced by T.
Protein change: p.Leu225=; no amino-acid change (leucine 225 retained).
Molecular consequence: synonymous variant.
Genome position (GRCh38, 1-based): chr8:41,724,492, G>A on the plus strand (C>T on the coding strand, the complement: ANK1 is on the minus strand). VCF-style: chr8-41724492-G-A. GRCh37 (hg19) VCF-style: chr8-41582010-G-A.
Other names: c.774C>T, p.Leu258= (NM_001142446.2); c.675C>T, p.Leu225= (NM_020475.3, NM_020476.3, NM_020477.3).
Identifiers: ClinVar variation 363044 (VCV000363044.15), dbSNP rs146507999, ClinGen allele CA4728907.

ClinVar aggregate classification (germline): Conflicting classifications of pathogenicity. Review status: criteria provided, conflicting classifications (1 of 4 stars). 5 submissions from 4 submitters: Uncertain significance (1); Benign (2); Likely benign (2). Last evaluated 2026-01-27.

Conditions:
Spherocytosis. Identifiers: MedGen C0553720, HP:0004444.
Hereditary spherocytosis type 1. Also called: Spherocytosis type 1; ANK1-Related Spherocytosis. Identifiers: Orphanet 822, MedGen C2674218, MONDO:0008447, OMIM 182900.

Allele frequency attached by ClinVar (database versions not stated): gnomAD exomes 0.00029 and 0.00082; gnomAD 0.00042 and 0.00026; TOPMed 0.00051; ESP Exome Variant Server 0.00008; 1000 Genomes Project 30x 0.00172; ExAC 0.00174; 1000 Genomes Project 0.00200.
gnomAD v4.1: 503 of 1,599,130 alleles (0.031%); highest among the groups gnomAD compares: East Asian, 0.46%; 2 homozygotes.

Submissions (5):

Labcorp Genetics (formerly Invitae), Labcorp
Classification: Benign. Last evaluated: 2026-01-27. Review status: criteria provided, single submitter. Criteria: Invitae Variant Classification Sherloc (09022015). Collection method: clinical testing. Allele origin: germline.

ARUP Laboratories, Molecular Genetics and Genomics, ARUP Laboratories
Classification: Likely benign for Hereditary spherocytosis type 1. Last evaluated: 2025-03-28. Review status: criteria provided, single submitter. Criteria: ARUP Molecular Germline Variant Investigation Process 2024. Collection method: clinical testing. Allele origin: germline.

Blueprint Genetics
Classification: Likely benign. Last evaluated: 2024-06-21. Review status: criteria provided, single submitter. Criteria: ACMG Guidelines, 2015. Collection method: clinical testing. Allele origin: germline.

Illumina Laboratory Services, Illumina
Classification: Benign for Hereditary spherocytosis type 1. Last evaluated: 2018-01-12. Review status: criteria provided, single submitter. Criteria: ICSL Variant Classification Criteria 13 December 2019. Collection method: clinical testing. Allele origin: germline.
Comment: This variant was observed in the ICSL laboratory as part of a predisposition screen in an ostensibly healthy population. It had not been previously curated by ICSL or reported in the Human Gene Mutation Database (HGMD: prior to June 1st, 2018), and was therefore a candidate for classification through an automated scoring system. Utilizing variant allele frequency, disease prevalence and penetrance estimates, and inheritance mode, an automated score was calculated to assess if this variant is too frequent to cause the disease. Based on the score and internal cut-off values, a variant classified as benign is not then subjected to further curation. The score for this variant resulted in a classification of benign for this disease.

Illumina Laboratory Services, Illumina
Classification: Uncertain significance for Spherocytosis. Last evaluated: 2018-01-12. Review status: criteria provided, single submitter. Criteria: ICSL Variant Classification Criteria 13 December 2019. Collection method: clinical testing. Allele origin: germline.